The following is an entry in ClinVar:

ClinVar aggregate classification (germline): Uncertain significance (1 of 4 stars; one submission).

Allele frequency attached by ClinVar (database versions not stated): TOPMed 0.00001.

Submission:

Labcorp Genetics (formerly Invitae), Labcorp
Classification: Uncertain significance. Last evaluated: 2023-06-03. Review status: criteria provided, single submitter. Criteria: Invitae Variant Classification Sherloc (09022015). Collection method: clinical testing. Allele origin: germline.
Comment: In summary, the available evidence is currently insufficient to determine the role of this variant in disease. Therefore, it has been classified as a Variant of Uncertain Significance. Advanced modeling of protein sequence and biophysical properties (such as structural, functional, and spatial information, amino acid conservation, physicochemical variation, residue mobility, and thermodynamic stability) performed at Invitae indicates that this missense variant is not expected to disrupt CSF1R protein function. This variant has not been reported in the literature in individuals affected with CSF1R-related conditions. This variant is not present in population databases (gnomAD no frequency). This sequence change replaces arginine, which is basic and polar, with glycine, which is neutral and non-polar, at codon 399 of the CSF1R protein (p.Arg399Gly).

NM_001288705.3(CSF1R):c.1195C>G (p.Arg399Gly)

Gene: CSF1R (colony stimulating factor 1 receptor; minus strand). Cytogenetic location: 5q32.
Variant type: single nucleotide variant.
Coding change: c.1195C>G on transcript NM_001288705.3 (MANE Select); coding-DNA position 1195, C replaced by G.
Protein change: p.Arg399Gly; replaces arginine 399 with glycine.
Molecular consequence: missense variant. On other transcripts: non-coding transcript variant (2).
Genome position (GRCh38, 1-based): chr5:150,070,459, G>C on the plus strand (C>G on the coding strand, the complement: CSF1R is on the minus strand). VCF-style: chr5-150070459-G-C. GRCh37 (hg19) VCF-style: chr5-149450022-G-C.
Other names: c.1195C>G, p.Arg399Gly (NM_001349736.2, NM_001375320.1, NM_005211.4); c.751C>G, p.Arg251Gly (NM_001375321.1); short protein forms R251G, R399G.
Identifiers: ClinVar variation 2713774 (VCV002713774.3), dbSNP rs1307175724, ClinGen allele CA361721823.